The following is an entry in ClinVar:

NM_001384125.1(BLTP1):c.3902CTC[1] (p.Pro1302del)

Gene: BLTP1 (bridge-like lipid transfer protein family member 1; plus strand). Cytogenetic location: 4q27.
Variant type: Microsatellite.
Coding change: c.3902CTC[1] on transcript NM_001384125.1 (MANE Select); one copy of the 3-base unit CTC starting at c.3902; the reference has two copies in a row; one copy, 3 bases deleted.
Protein change: p.Pro1302del; deletes proline 1302.
Molecular consequence: inframe deletion.
Genome position (GRCh38, 1-based): chr4:122,239,587-122,239,589, CTC deleted; deleting any 3 consecutive bases within chr4:122,239,584-122,239,589 gives the same sequence; the position shown is the placement nearest the transcript's 3' end. VCF-style (leftmost placement, unchanged base first): chr4-122239583-TCTC-T. GRCh37 (hg19) VCF-style: chr4-123160738-TCTC-T.
Other names: c.3902CTC[1], p.Pro1302del (NM_015312.4); short protein forms P1302del.
Identifiers: ClinVar variation 4977117 (VCV004977117.1).

ClinVar aggregate classification (germline): Uncertain significance (1 of 4 stars; one submission).

Conditions:
BLTP1-related disorder. Also called: BLTP1-related condition.

Submission:

PreventionGenetics, part of Exact Sciences
Classification: Uncertain significance for BLTP1-related condition. Last evaluated: 2026-03-12. Review status: criteria provided, single submitter. Criteria: ACMG Guidelines, 2015. Collection method: clinical testing. Allele origin: germline.
Comment: The BLTP1 c.3905_3907delCTC variant is predicted to result in an in-frame deletion (p.Pro1302del). To our knowledge, this variant has not been reported in the literature. This variant is reported in 0.013% of alleles in individuals of South Asian descent in gnomAD. At this time, the clinical significance of this variant is uncertain due to the absence of conclusive functional and genetic evidence.